The following is an entry in ClinVar:

ClinVar aggregate classification (germline): Uncertain significance (1 of 4 stars; one submission).

Allele frequency attached by ClinVar (database versions not stated): gnomAD 0.00002; TOPMed 0.00003; ESP Exome Variant Server 0.00008.

Submission:

Labcorp Genetics (formerly Invitae), Labcorp
Classification: Uncertain significance. Last evaluated: 2025-12-01. Review status: criteria provided, single submitter. Criteria: Invitae Variant Classification Sherloc (09022015). Collection method: clinical testing. Allele origin: germline.
Comment: This sequence change replaces glycine, which is neutral and non-polar, with glutamic acid, which is acidic and polar, at codon 3612 of the KMT2A protein (p.Gly3612Glu). This variant also falls at the last nucleotide of exon 28, which is part of the consensus splice site for this exon. This variant is not present in population databases (gnomAD no frequency). This variant has not been reported in the literature in individuals affected with KMT2A-related conditions. ClinVar contains an entry for this variant (Variation ID: 2966460). An algorithm developed to predict the effect of missense changes on protein structure and function (PolyPhen-2) suggests that this variant is likely to be tolerated. Variants that disrupt the consensus splice site are a relatively common cause of aberrant splicing (PMID: 17576681, 9536098). Algorithms developed to predict the effect of sequence changes on RNA splicing suggest that this variant may disrupt the consensus splice site. In summary, the available evidence is currently insufficient to determine the role of this variant in disease. Therefore, it has been classified as a Variant of Uncertain Significance.

Literature cited by the submitters: PubMed 17576681; PubMed 9536098.

NM_001197104.2(KMT2A):c.10835G>A (p.Gly3612Glu)

Gene: KMT2A (lysine methyltransferase 2A; plus strand). Cytogenetic location: 11q23.3.
Variant type: single nucleotide variant.
Coding change: c.10835G>A on transcript NM_001197104.2 (MANE Select); coding-DNA position 10835, G replaced by A.
Protein change: p.Gly3612Glu; replaces glycine 3612 with glutamic acid.
Molecular consequence: missense variant.
Genome position (GRCh38, 1-based): chr11:118,507,609, G>A. VCF-style: chr11-118507609-G-A. GRCh37 (hg19) VCF-style: chr11-118378324-G-A.
Other names: c.10826G>A, p.Gly3609Glu (NM_005933.4); c.10925G>A, p.Gly3642Glu (NM_001412597.1); short protein forms G3609E, G3612E, G3642E.
Identifiers: ClinVar variation 2966460 (VCV002966460.3), dbSNP rs138551362, ClinGen allele CA229531223.